The following is an entry in ClinVar:

NM_005560.6(LAMA5):c.3318A>G (p.Pro1106=)

Gene: LAMA5 (laminin subunit alpha 5; minus strand). Cytogenetic location: 20q13.33.
Variant type: single nucleotide variant.
Coding change: c.3318A>G on transcript NM_005560.6 (MANE Select); coding-DNA position 3318, A replaced by G.
Protein change: p.Pro1106=; no amino-acid change (proline 1106 retained).
Molecular consequence: synonymous variant.
Genome position (GRCh38, 1-based): chr20:62,332,682, T>C on the plus strand (A>G on the coding strand, the complement: LAMA5 is on the minus strand). VCF-style: chr20-62332682-T-C. GRCh37 (hg19) VCF-style: chr20-60907738-T-C.
Identifiers: ClinVar variation 725795 (VCV000725795.12), dbSNP rs145978926, ClinGen allele CA9943049.

ClinVar aggregate classification (germline): Likely benign. Review status: criteria provided, multiple submitters, no conflicts (2 of 4 stars). 3 submissions from 3 submitters: Likely benign (2). 1 of the submissions does not count toward it. Last evaluated 2025-12-03.

Conditions:
LAMA5-related disorder. Also called: LAMA5-Related Disorders; LAMA5-related condition.

Allele frequency attached by ClinVar (database versions not stated): gnomAD 0.00022; ESP Exome Variant Server 0.00023; TOPMed 0.00041; 1000 Genomes Project 0.00140; 1000 Genomes Project 30x 0.00141.
gnomAD v4.1: 1,000 of 1,610,968 alleles (0.062%); highest among the groups gnomAD compares: Admixed American, 0.25%; 1 homozygote.

Submissions (3):

Labcorp Genetics (formerly Invitae), Labcorp
Classification: Likely benign. Last evaluated: 2025-12-03. Review status: criteria provided, single submitter. Criteria: Invitae Variant Classification Sherloc (09022015). Collection method: clinical testing. Allele origin: germline.

Blueprint Genetics
Classification: Likely benign. Last evaluated: 2024-10-02. Review status: criteria provided, single submitter. Criteria: ACMG Guidelines, 2015. Collection method: clinical testing. Allele origin: germline.

PreventionGenetics, part of Exact Sciences
Classification: Likely benign for LAMA5-related condition. Last evaluated: 2019-04-02. Review status: no assertion criteria provided. Collection method: clinical testing. Allele origin: germline. Not counted in ClinVar's aggregate classification.
Comment: This variant is classified as likely benign based on ACMG/AMP sequence variant interpretation guidelines (Richards et al. 2015 PMID: 25741868, with internal and published modifications).